The following is an entry in ClinVar:

ClinVar aggregate classification (germline): Likely pathogenic (1 of 4 stars; one submission).

Conditions:
SMARCB1-related disorder. Also called: SMARCB1-related condition; SMARCB1-related disorders.

Submission:

Rady Children's Institute for Genomic Medicine, Rady Children's Hospital San Diego
Classification: Likely pathogenic for SMARCB1-Related Disorders. Review status: criteria provided, single submitter. Criteria: ACMG Guidelines, 2015. Collection method: clinical testing. Allele origin: germline. Affected: yes.
Comment: This variant affects the canonical splice acceptor site of intron 6 and is therefore predicted to interfere with splicing and result in loss of normal protein function through either protein truncation or nonsense-mediated mRNA decay (NMD). This variant has not been previously reported or functionally characterized in the literature to our knowledge. However, loss-of-function splicing variation is an established mechanism of disease for SMARCB1-related disorders. A different variant which affected the canonical splice donor site of the same intron 6 (c.795+1G>T) has been detected in blood samples from 2 related individuals affected with schwannomatosis (PMID: 18647326). The c.796-1G>C variant is absent from the gnomAD population database and thus is presumed to be rare. Based on the available evidence, the c.796-1G>C variant is classified as Likely Pathogenic.

NM_003073.5(SMARCB1):c.796-1G>C

Gene: SMARCB1 (SWI/SNF related BAF chromatin remodeling complex subunit B1; plus strand). Cytogenetic location: 22q11.23.
Variant type: single nucleotide variant.
Coding change: c.796-1G>C on transcript NM_003073.5 (MANE Select); the canonical splice acceptor site of the intron before coding-DNA position 796, G replaced by C.
Molecular consequence: splice acceptor variant.
Genome position (GRCh38, 1-based): chr22:23,825,224, G>C. VCF-style: chr22-23825224-G-C. GRCh37 (hg19) VCF-style: chr22-24167411-G-C.
Other names: c.850-1G>C (NM_001362877.2); c.823-1G>C (NM_001317946.2); c.769-1G>C (NM_001007468.3).
Identifiers: ClinVar variation 2584415 (VCV002584415.1), dbSNP rs2146026614, ClinGen allele CA410906700.